The following is an entry in ClinVar:

ClinVar aggregate classification (germline): Uncertain significance (1 of 4 stars; one submission).

Submission:

Ambry Genetics
Classification: Uncertain significance. Last evaluated: 2024-01-29. Review status: criteria provided, single submitter. Criteria: Ambry Variant Classification Scheme 2023. Collection method: clinical testing. Allele origin: germline.
Comment: The p.E414G variant (also known as c.1241A>G), located in coding exon 11 of the BUB1 gene, results from an A to G substitution at nucleotide position 1241. The glutamic acid at codon 414 is replaced by glycine, an amino acid with similar properties. This amino acid position is conserved. In addition, this alteration is predicted to be tolerated by in silico analysis. Based on the available evidence, the clinical significance of this alteration remains unclear.

NM_004336.5(BUB1):c.1241A>G (p.Glu414Gly)

Gene: BUB1 (BUB1 mitotic checkpoint serine/threonine kinase; minus strand). Cytogenetic location: 2q13.
Variant type: single nucleotide variant.
Coding change: c.1241A>G on transcript NM_004336.5 (MANE Select); coding-DNA position 1241, A replaced by G.
Protein change: p.Glu414Gly; replaces glutamic acid 414 with glycine.
Molecular consequence: missense variant.
Genome position (GRCh38, 1-based): chr2:110,660,013, T>C on the plus strand (A>G on the coding strand, the complement: BUB1 is on the minus strand). VCF-style: chr2-110660013-T-C. GRCh37 (hg19) VCF-style: chr2-111417590-T-C.
Other names: c.1181A>G, p.Glu394Gly (NM_001278616.2); c.1241A>G, p.Glu414Gly (NM_001278617.2); short protein forms E394G, E414G.
Identifiers: ClinVar variation 3223992 (VCV003223992.1), dbSNP rs2468013467, ClinGen allele CA348214101.
Genomic context (GRCh38, chr2:110,660,013, plus strand): 5'-CACATTTATTATAATTAAACATTACCTTCTTTGATCTCTGCTCCACTCTGTGGCTTGAAT[T>C]CATGAGTACTCTTATTCACACATCTGGAAGAGAAAACTCTTGAGACACACTAGAGAATAA-3'
Protein context (NP_004327.1, residues 404-424): DAGCVNKSTH[Glu414Gly]FKPQSGAEIK